The following is an entry in ClinVar:

ClinVar aggregate classification (germline): Uncertain significance (1 of 4 stars; one submission).

gnomAD v4.1: 1 of 1,480,288 alleles (0.000068%); highest among the groups gnomAD compares: Non-Finnish European, 0.000095%; no homozygotes.

Submission:

Labcorp Genetics (formerly Invitae), Labcorp
Classification: Uncertain significance. Last evaluated: 2021-06-28. Review status: criteria provided, single submitter. Criteria: Invitae Variant Classification Sherloc (09022015). Collection method: clinical testing. Allele origin: germline.
Comment: This sequence change falls in intron 17 of the SLC12A6 gene. It does not directly change the encoded amino acid sequence of the SLC12A6 protein. It affects a nucleotide within the consensus splice site of the intron. This variant is not present in population databases (ExAC no frequency). This variant has not been reported in the literature in individuals with SLC12A6-related conditions. Nucleotide substitutions within the consensus splice site are a relatively common cause of aberrant splicing (PMID: 17576681, 9536098). Algorithms developed to predict the effect of sequence changes on RNA splicing suggest that this variant is not likely to affect RNA splicing, but this prediction has not been confirmed by published transcriptional studies. In summary, the available evidence is currently insufficient to determine the role of this variant in disease. Therefore, it has been classified as a Variant of Uncertain Significance.

Literature cited by the submitters: PubMed 17576681; PubMed 9536098.

NM_001365088.1(SLC12A6):c.2267+6G>T

Gene: SLC12A6 (solute carrier family 12 member 6; minus strand). Cytogenetic location: 15q14.
Variant type: single nucleotide variant.
Coding change: c.2267+6G>T on transcript NM_001365088.1 (MANE Select); 6 bases into the intron after coding-DNA position 2267, G replaced by T.
Molecular consequence: intron variant.
Genome position (GRCh38, 1-based): chr15:34,241,227, C>A on the plus strand (G>T on the coding strand, the complement: SLC12A6 is on the minus strand). VCF-style: chr15-34241227-C-A. GRCh37 (hg19) VCF-style: chr15-34533428-C-A.
Other names: c.2090+6G>T (NM_001042495.2, NM_001042494.2); c.2240+6G>T (NM_001042496.2); c.2222+6G>T (NM_001042497.2); c.2267+6G>T (NM_133647.2); c.2114+6G>T (NM_005135.2).
Identifiers: ClinVar variation 1490709 (VCV001490709.6), dbSNP rs1205721914, ClinGen allele CA2573150636.